The following is an entry in ClinVar:

NM_014975.3(MAST1):c.4112C>G (p.Pro1371Arg)

Gene: MAST1 (microtubule associated serine/threonine kinase 1; plus strand). Cytogenetic location: 19p13.13.
Variant type: single nucleotide variant.
Coding change: c.4112C>G on transcript NM_014975.3 (MANE Select); coding-DNA position 4112, C replaced by G.
Protein change: p.Pro1371Arg; replaces proline 1371 with arginine.
Molecular consequence: missense variant.
Genome position (GRCh38, 1-based): chr19:12,874,269, C>G. VCF-style: chr19-12874269-C-G. GRCh37 (hg19) VCF-style: chr19-12985083-C-G.
Other names: short protein forms P1371R.
Identifiers: ClinVar variation 4770924 (VCV004770924.1).

ClinVar aggregate classification (germline): Uncertain significance (1 of 4 stars; one submission).

Submission:

Labcorp Genetics (formerly Invitae), Labcorp
Classification: Uncertain significance. Last evaluated: 2026-01-05. Review status: criteria provided, single submitter. Criteria: Invitae Variant Classification Sherloc (09022015). Collection method: clinical testing. Allele origin: germline.
Comment: This sequence change replaces proline, which is neutral and non-polar, with arginine, which is basic and polar, at codon 1371 of the MAST1 protein (p.Pro1371Arg). This variant is not present in population databases (gnomAD no frequency). This variant has not been reported in the literature in individuals affected with MAST1-related conditions. An algorithm developed to predict the effect of missense changes on protein structure and function (PolyPhen-2) suggests that this variant is likely to be tolerated. In summary, the available evidence is currently insufficient to determine the role of this variant in disease. Therefore, it has been classified as a Variant of Uncertain Significance.